The following is an entry in ClinVar:

NM_133259.4(LRPPRC):c.3993_3994del (p.Lys1332fs)

Gene: LRPPRC (leucine rich pentatricopeptide repeat containing; minus strand). Cytogenetic location: 2p21.
Variant type: Microsatellite.
Coding change: c.3993_3994del on transcript NM_133259.4 (MANE Select); coding-DNA positions 3993 to 3994, 2 bases deleted (GA; older notation c.3993_3994delGA).
Protein change: p.Lys1332fs; shifts the reading frame from lysine 1332.
Molecular consequence: frameshift variant.
Genome position (GRCh38, 1-based): chr2:43,889,868-43,889,869, TC deleted on the plus strand (GA on the coding strand, the reverse complement: LRPPRC is on the minus strand); deleting any 2 consecutive bases within chr2:43,889,868-43,889,872 gives the same sequence; the c. name uses the placement nearest the transcript's 3' end. VCF-style (leftmost placement, unchanged base first): chr2-43889867-TTC-T. GRCh37 (hg19) VCF-style: chr2-44117006-TTC-T.
Other names: short protein forms K1332fs.
Identifiers: ClinVar variation 4816493 (VCV004816493.1).

ClinVar aggregate classification (germline): Likely pathogenic (1 of 4 stars; one submission).

Conditions:
Congenital lactic acidosis, Saguenay-Lac-Saint-Jean type (MC4DN5). Also called: CYTOCHROME c OXIDASE DEFICIENCY, FRENCH CANADIAN TYPE; COX DEFICIENCY, FRENCH CANADIAN TYPE; MITOCHONDRIAL COMPLEX IV DEFICIENCY, NUCLEAR TYPE 5. Identifiers: Orphanet 70472, MedGen C1857355, MONDO:0009069, OMIM 220111.

Submission:

Natera, Inc.
Classification: Likely pathogenic for French-Canadian type Leigh syndrome. Last evaluated: 2024-07-09. Review status: criteria provided, single submitter. Criteria: Natera Variant Classification Schema (03/2026). Collection method: clinical testing. Allele origin: germline.
Comment: The c.3993_3994del variant in LRPPRC is a frameshift variant predicted to shift the reading frame beginning at codon 1332 and leads to a stop codon 6 codons downstream. This variant is expected to result in nonsense mediated decay, truncation, or a dysfunctional protein product. This variant is rare in the general population with a frequency below the threshold expected for the associated phenotype(s). Given the available evidence, this variant is classified as Likely Pathogenic.